The following is an entry in ClinVar:

ClinVar aggregate classification (germline): Likely benign (1 of 4 stars; one submission).

Submission:

CeGaT Center for Human Genetics Tuebingen
Classification: Likely benign. Last evaluated: 2024-03-01. Review status: criteria provided, single submitter. Criteria: CeGaT Center For Human Genetics Tuebingen Variant Classification Criteria Version 2. Collection method: clinical testing. Allele origin: germline. Affected: yes. Observed: 1 variant allele.
Comment: SRCAP: PM2:Supporting, BP4, BP7

NM_006662.3(SRCAP):c.9219A>C (p.Ala3073=)

Gene: SRCAP (Snf2 related CREBBP activator protein; plus strand). Cytogenetic location: 16p11.2.
Variant type: single nucleotide variant.
Coding change: c.9219A>C on transcript NM_006662.3 (MANE Select); coding-DNA position 9219, A replaced by C.
Protein change: p.Ala3073=; no amino-acid change (alanine 3073 retained).
Molecular consequence: synonymous variant.
Genome position (GRCh38, 1-based): chr16:30,739,259, A>C. VCF-style: chr16-30739259-A-C. GRCh37 (hg19) VCF-style: chr16-30750580-A-C.
Identifiers: ClinVar variation 3234368 (VCV003234368.20), dbSNP rs753823800, ClinGen allele CA494911963.